The following is an entry in ClinVar:

NM_001199397.3(NEK1):c.694C>T (p.Arg232Cys)

Gene: NEK1 (NIMA related kinase 1; minus strand). Cytogenetic location: 4q33.
Variant type: single nucleotide variant.
Coding change: c.694C>T on transcript NM_001199397.3 (MANE Select); coding-DNA position 694, C replaced by T.
Protein change: p.Arg232Cys; replaces arginine 232 with cysteine.
Molecular consequence: missense variant. On other transcripts: non-coding transcript variant (2).
Genome position (GRCh38, 1-based): chr4:169,585,462, G>A on the plus strand (C>T on the coding strand, the complement: NEK1 is on the minus strand). VCF-style: chr4-169585462-G-A. GRCh37 (hg19) VCF-style: chr4-170506613-G-A.
Other names: c.694C>T (NM_012224.2); c.694C>T, p.Arg232Cys (NM_001199398.3, NM_001199399.3, NM_001199400.3 and 7 more transcripts); short protein forms R232C.
Identifiers: ClinVar variation 2043350 (VCV002043350.4), dbSNP rs762504963, ClinGen allele CA3137973.

ClinVar aggregate classification (germline): Uncertain significance. Review status: criteria provided, multiple submitters, no conflicts (2 of 4 stars). 2 submissions from 2 submitters: Uncertain significance (2). Last evaluated 2024-11-04.

Conditions:
NEK1-related disorder. Also called: NEK1-related condition.
Short-rib thoracic dysplasia 6 with or without polydactyly (SRTD6). Also called: Majewski Syndrome; SHORT RIB-POLYDACTYLY SYNDROME, TYPE IIA; SHORT-RIB THORACIC DYSPLASIA 6 WITH POLYDACTYLY; SHORT-RIB THORACIC DYSPLASIA 6 WITHOUT POLYDACTYLY; POLYDACTYLY WITH NEONATAL CHONDRODYSTROPHY, TYPE II. Identifiers: MedGen C0024507, MONDO:0009894, OMIM 263520.

Allele frequency attached by ClinVar (database versions not stated): ExAC 0.00001; gnomAD 0.00001; gnomAD exomes 0.00002; TOPMed 0.00003.

Submissions (2):

Labcorp Genetics (formerly Invitae), Labcorp
Classification: Uncertain significance for Short-rib thoracic dysplasia 6 with or without polydactyly. Last evaluated: 2024-11-04. Review status: criteria provided, single submitter. Criteria: Invitae Variant Classification Sherloc (09022015). Collection method: clinical testing. Allele origin: germline.
Comment: This sequence change replaces arginine, which is basic and polar, with cysteine, which is neutral and slightly polar, at codon 232 of the NEK1 protein (p.Arg232Cys). This variant is present in population databases (rs762504963, gnomAD 0.003%). This variant has not been reported in the literature in individuals affected with NEK1-related conditions. ClinVar contains an entry for this variant (Variation ID: 2043350). Invitae Evidence Modeling of protein sequence and biophysical properties (such as structural, functional, and spatial information, amino acid conservation, physicochemical variation, residue mobility, and thermodynamic stability) indicates that this missense variant is expected to disrupt NEK1 protein function with a positive predictive value of 95%. In summary, the available evidence is currently insufficient to determine the role of this variant in disease. Therefore, it has been classified as a Variant of Uncertain Significance.

PreventionGenetics, part of Exact Sciences
Classification: Uncertain significance for NEK1-related condition. Last evaluated: 2023-09-18. Review status: criteria provided, single submitter. Criteria: ACMG Guidelines, 2015. Collection method: clinical testing. Allele origin: germline.
Comment: The NEK1 c.694C>T variant is predicted to result in the amino acid substitution p.Arg232Cys. This variant was reported in an individual with amyotrophic lateral sclerosis and frontotemporal dementia (ALS-FTD, Nguyen et al 2018. PubMed ID: 28935222). Another single nucleotide variant impacting the same amino acid was reported in an individual with ALS (c.695G>A, Arg232His, Supplementary Table 3. Black et al 2017. PubMed ID: 28089114). This variant is reported in 0.0033% of alleles in individuals of South Asian descent in gnomAD. At this time, the clinical significance of this variant is uncertain due to the absence of conclusive functional and genetic evidence.